The following is an entry in ClinVar:

ClinVar aggregate classification (germline): Pathogenic (1 of 4 stars; one submission).

Conditions:
Pseudohypoaldosteronism type 2C (PHA2C). Also called: Pseudohypoaldosteronism Type IIC. Identifiers: Orphanet 757, Orphanet 88940, MedGen C1840391, MONDO:0013778, OMIM 614492.
Neuropathy, hereditary sensory and autonomic, type 2A (HSAN2A). Also called: ACROOSTEOLYSIS, GIACCAI TYPE; ACROOSTEOLYSIS, NEUROGENIC; HSAN IIA; WNK1-Related HSAN2 (HSAN2A); MORVAN DISEASE; NEUROPATHY, CONGENITAL SENSORY. Identifiers: Orphanet 970, MedGen C2752089, MONDO:0024309, OMIM 201300.

Submission:

Labcorp Genetics (formerly Invitae), Labcorp
Classification: Pathogenic for Neuropathy, hereditary sensory and autonomic, type 2A; Pseudohypoaldosteronism type 2C. Last evaluated: 2018-11-09. Review status: criteria provided, single submitter. Criteria: Invitae Variant Classification Sherloc (09022015). Collection method: clinical testing. Allele origin: germline.
Comment: For these reasons, this variant has been classified as Pathogenic. Loss-of-function variants in WNK1 are known to be pathogenic (PMID: 22910560). This variant has not been reported in the literature in individuals with WNK1-related disease. This variant is not present in population databases (ExAC no frequency). This sequence change creates a premature translational stop signal (p.Trp879*) in the WNK1 gene. It is expected to result in an absent or disrupted protein product. The WNK1 gene has multiple clinically relevant transcripts. The p.Trp879* variant occurs in alternate transcript NM_213655.4, which corresponds to position c.2140-3158G>A in NM_018979.3, the primary transcript listed in the Methods.

Literature cited by the submitters: PubMed 22910560.

NM_213655.5(WNK1):c.2636G>A (p.Trp879Ter)

Gene: WNK1 (WNK lysine deficient protein kinase 1; plus strand). Cytogenetic location: 12p13.33.
Variant type: single nucleotide variant.
Coding change: c.2636G>A on transcript NM_213655.5 (MANE Plus Clinical); coding-DNA position 2636, G replaced by A.
Protein change: p.Trp879Ter; replaces tryptophan 879 with a stop codon.
Molecular consequence: nonsense. On other transcripts: intron variant (2).
Genome position (GRCh38, 1-based): chr12:868,107, G>A. VCF-style: chr12-868107-G-A. GRCh37 (hg19) VCF-style: chr12-977273-G-A.
Other names: c.2381G>A, p.Trp794Ter (NM_001184985.2); c.2140-3158G>A (NM_018979.4, NM_014823.3); short protein forms W879*, W794*.
Identifiers: ClinVar variation 659035 (VCV000659035.8), dbSNP rs1592095957, ClinGen allele CA383339292.